The following is an entry in ClinVar:

ClinVar aggregate classification (germline): Uncertain significance (1 of 4 stars; one submission).

Conditions:
Creatine transporter deficiency (CCDS1). Also called: Mental retardation , X-linked with seizures, short stature and midface hypoplasia; Mental retardation , X-linked, with creatine transport deficiency; X-linked creatine transporter deficiency; X-linked creatine deficiency syndrome; SLC6A8-Related Creatine Transporter Deficiency; CREATINE TRANSPORTER DEFECT. Identifiers: Orphanet 52503, MedGen C1845862, MONDO:0010305, OMIM 300352.

Submission:

Labcorp Genetics (formerly Invitae), Labcorp
Classification: Uncertain significance for Creatine transporter deficiency. Last evaluated: 2022-09-21. Review status: criteria provided, single submitter. Criteria: Invitae Variant Classification Sherloc (09022015). Collection method: clinical testing. Allele origin: germline.
Comment: This sequence change replaces threonine, which is neutral and polar, with isoleucine, which is neutral and non-polar, at codon 146 of the SLC6A8 protein (p.Thr146Ile). This variant is not present in population databases (gnomAD no frequency). This variant has not been reported in the literature in individuals affected with SLC6A8-related conditions. Advanced modeling of protein sequence and biophysical properties (such as structural, functional, and spatial information, amino acid conservation, physicochemical variation, residue mobility, and thermodynamic stability) performed at Invitae indicates that this missense variant is not expected to disrupt SLC6A8 protein function. In summary, the available evidence is currently insufficient to determine the role of this variant in disease. Therefore, it has been classified as a Variant of Uncertain Significance.

NM_005629.4(SLC6A8):c.437C>T (p.Thr146Ile)

Gene: SLC6A8 (solute carrier family 6 member 8; plus strand). Cytogenetic location: Xq28.
Variant type: single nucleotide variant.
Coding change: c.437C>T on transcript NM_005629.4 (MANE Select); coding-DNA position 437, C replaced by T.
Protein change: p.Thr146Ile; replaces threonine 146 with isoleucine.
Molecular consequence: missense variant.
Genome position (GRCh38, 1-based): chrX:153,691,346, C>T. VCF-style: chrX-153691346-C-T. GRCh37 (hg19) VCF-style: chrX-152956801-C-T.
Other names: c.437C>T, p.Thr146Ile (NM_001142805.2); c.92C>T, p.Thr31Ile (NM_001142806.1); short protein forms T146I, T31I.
Identifiers: ClinVar variation 1720007 (VCV001720007.3), dbSNP rs2522155827, ClinGen allele CA415078539.